The following is an entry in ClinVar:

ClinVar aggregate classification (germline): Uncertain significance. Review status: criteria provided, multiple submitters, no conflicts (2 of 4 stars). 2 submissions from 2 submitters: Uncertain significance (2). Last evaluated 2022-07-19.

Conditions:
Methylcobalamin deficiency type cblG (HMAG). Also called: HOMOCYSTINURIA-MEGALOBLASTIC ANEMIA, cblG TYPE; HOMOCYSTINURIA-MEGALOBLASTIC ANEMIA, cblG COMPLEMENTATION TYPE; HOMOCYSTINURIA-MEGALOBLASTIC ANEMIA DUE TO DEFECT IN COBALAMIN METABOLISM, cblG COMPLEMENTATION TYPE; Functional methionine synthase deficiency type cblG. Identifiers: Orphanet 2170, Orphanet 622, MedGen C1855128, MONDO:0009609, OMIM 250940.

Allele frequency attached by ClinVar (database versions not stated): gnomAD 0.00001; gnomAD exomes 0.00002 and 0.00004; TOPMed 0.00003; ExAC 0.00004.
gnomAD v4.1: 18 of 1,602,960 alleles (0.0011%); highest among the groups gnomAD compares: Admixed American, 0.015%; no homozygotes.

Submissions (2):

Labcorp Genetics (formerly Invitae), Labcorp
Classification: Uncertain significance for Methylcobalamin deficiency type cblG. Last evaluated: 2022-07-19. Review status: criteria provided, single submitter. Criteria: Invitae Variant Classification Sherloc (09022015). Collection method: clinical testing. Allele origin: germline.
Comment: This sequence change replaces arginine, which is basic and polar, with glycine, which is neutral and non-polar, at codon 1144 of the MTR protein (p.Arg1144Gly). This variant is present in population databases (rs781725496, gnomAD 0.02%). This variant has not been reported in the literature in individuals affected with MTR-related conditions. ClinVar contains an entry for this variant (Variation ID: 1064309). Algorithms developed to predict the effect of missense changes on protein structure and function are either unavailable or do not agree on the potential impact of this missense change (SIFT: "Deleterious"; PolyPhen-2: "Benign"; Align-GVGD: "Class C15"). In summary, the available evidence is currently insufficient to determine the role of this variant in disease. Therefore, it has been classified as a Variant of Uncertain Significance.

GeneDx
Classification: Uncertain significance. Last evaluated: 2019-05-30. Review status: criteria provided, single submitter. Criteria: GeneDx Variant Classification Process June 2021. Collection method: clinical testing. Allele origin: germline. Affected: yes.
Comment: In silico analysis, which includes protein predictors and evolutionary conservation, supports a deleterious effect; Has not been previously published as pathogenic or benign to our knowledge

NM_000254.3(MTR):c.3430A>G (p.Arg1144Gly)

Gene: MTR (5-methyltetrahydrofolate-homocysteine methyltransferase; plus strand). Cytogenetic location: 1q43.
Variant type: single nucleotide variant.
Coding change: c.3430A>G on transcript NM_000254.3 (MANE Select); coding-DNA position 3430, A replaced by G.
Protein change: p.Arg1144Gly; replaces arginine 1144 with glycine.
Molecular consequence: missense variant.
Genome position (GRCh38, 1-based): chr1:236,895,382, A>G. VCF-style: chr1-236895382-A-G. GRCh37 (hg19) VCF-style: chr1-237058682-A-G.
Other names: c.3277A>G, p.Arg1093Gly (NM_001291939.1); c.2209A>G, p.Arg737Gly (NM_001291940.2); short protein forms R1093G, R1144G, R737G.
Identifiers: ClinVar variation 1064309 (VCV001064309.5), dbSNP rs781725496, ClinGen allele CA1474704.